The following is an entry in ClinVar:

ClinVar aggregate classification (germline): Uncertain significance. Review status: criteria provided, multiple submitters, no conflicts (2 of 4 stars). 2 submissions from 2 submitters: Uncertain significance (2). Last evaluated 2025-12-17.

Conditions:
Inborn genetic diseases. Identifiers: MedGen C0950123, MeSH D030342.

Allele frequency attached by ClinVar (database versions not stated): TOPMed 0.00001; gnomAD exomes below 0.00001; gnomAD 0.00003.

Submissions (2):

Labcorp Genetics (formerly Invitae), Labcorp
Classification: Uncertain significance. Last evaluated: 2025-12-17. Review status: criteria provided, single submitter. Criteria: Invitae Variant Classification Sherloc (09022015). Collection method: clinical testing. Allele origin: germline.
Comment: This sequence change replaces alanine, which is neutral and non-polar, with threonine, which is neutral and polar, at codon 1073 of the SAMD9L protein (p.Ala1073Thr). This variant is not present in population databases (gnomAD no frequency). This variant has not been reported in the literature in individuals affected with SAMD9L-related conditions. ClinVar contains an entry for this variant (Variation ID: 1992473). Invitae Evidence Modeling of protein sequence and biophysical properties (such as structural, functional, and spatial information, amino acid conservation, physicochemical variation, residue mobility, and thermodynamic stability) indicates that this missense variant is not expected to disrupt SAMD9L protein function with a negative predictive value of 80%. In summary, the available evidence is currently insufficient to determine the role of this variant in disease. Therefore, it has been classified as a Variant of Uncertain Significance.

Ambry Genetics
Classification: Uncertain significance for Inborn genetic diseases. Last evaluated: 2024-12-13. Review status: criteria provided, single submitter. Criteria: Ambry Variant Classification Scheme 2023. Collection method: clinical testing. Allele origin: germline.
Comment: The p.A1073T variant (also known as c.3217G>A), located in coding exon 1 of the SAMD9L gene, results from a G to A substitution at nucleotide position 3217. The alanine at codon 1073 is replaced by threonine, an amino acid with similar properties. This amino acid position is conserved. In addition, this alteration is predicted to be tolerated by in silico analysis. Based on the available evidence, the clinical significance of this variant remains unclear.

NM_152703.5(SAMD9L):c.3217G>A (p.Ala1073Thr)

Gene: SAMD9L (sterile alpha motif domain containing 9 like; minus strand). Cytogenetic location: 7q21.2.
Variant type: single nucleotide variant.
Coding change: c.3217G>A on transcript NM_152703.5 (MANE Select); coding-DNA position 3217, G replaced by A.
Protein change: p.Ala1073Thr; replaces alanine 1073 with threonine.
Molecular consequence: missense variant.
Genome position (GRCh38, 1-based): chr7:93,132,755, C>T on the plus strand (G>A on the coding strand, the complement: SAMD9L is on the minus strand). VCF-style: chr7-93132755-C-T. GRCh37 (hg19) VCF-style: chr7-92762068-C-T.
Other names: c.3217G>A, p.Ala1073Thr (NM_001303496.3, NM_001303497.3, NM_001303498.3 and 5 more transcripts); c.3217G>A (NM_152703.2); short protein forms A1073T.
Identifiers: ClinVar variation 1992473 (VCV001992473.5), dbSNP rs1318864854, ClinGen allele CA368184153.